The following is an entry in ClinVar:

ClinVar aggregate classification (germline): Pathogenic (1 of 4 stars; one submission).

Conditions:
Hereditary cancer-predisposing syndrome. Also called: Neoplastic Syndromes, Hereditary; Tumor predisposition; Hereditary Cancer Syndrome; Hereditary neoplastic syndrome. Identifiers: Orphanet 140162, MedGen C0027672, MeSH D009386, MONDO:0015356.

Submission:

Ambry Genetics
Classification: Pathogenic for Hereditary cancer-predisposing syndrome. Last evaluated: 2026-06-05. Review status: criteria provided, single submitter. Criteria: Ambry Variant Classification Scheme 2023. Collection method: clinical testing. Allele origin: germline.
Comment: The c.614_615delTT pathogenic mutation, located in coding exon 5 of the CDH1 gene, results from a deletion of two nucleotides at nucleotide positions 614 to 615, causing a translational frameshift with a predicted alternate stop codon (p.F205Yfs*3). This variant is considered to be rare based on population cohorts in the Genome Aggregation Database (gnomAD). This alteration is expected to result in loss of function by premature protein truncation or nonsense-mediated mRNA decay. As such, this alteration is interpreted as a disease-causing mutation.

NM_004360.5(CDH1):c.614_615del (p.Phe205fs)

Gene: CDH1 (cadherin 1; plus strand). Cytogenetic location: 16q22.1.
Variant type: Deletion.
Coding change: c.614_615del on transcript NM_004360.5 (MANE Select); coding-DNA positions 614 to 615, 2 bases deleted (TT; older notation c.614_615delTT).
Protein change: p.Phe205fs; shifts the reading frame from phenylalanine 205.
Molecular consequence: frameshift variant. On other transcripts: 5 prime UTR variant (2).
Genome position (GRCh38, 1-based): chr16:68,808,775-68,808,776, TT deleted; deleting any 2 consecutive bases within chr16:68,808,774-68,808,776 gives the same sequence; the c. name uses the placement nearest the transcript's 3' end. VCF-style (leftmost placement, unchanged base first): chr16-68808773-CTT-C. GRCh37 (hg19) VCF-style: chr16-68842676-CTT-C.
Other names: c.614_615del, p.Phe205fs (NM_001317184.2); c.-1002_-1001del (NM_001317185.2); c.-1206_-1205del (NM_001317186.2); short protein forms F205fs.
Identifiers: ClinVar variation 4868415 (VCV004868415.1).
Genomic context (GRCh38, chr16:68,808,773, plus strand): 5'-AGAAGGCAAGGTTTTCTACAGCATCACTGGCCAAGGAGCTGACACACCCCCTGTTGGTGT[CTT>C]TATTATTGAAAGAGAAACAGGATGGCTGAAGGTGACAGAGCCTCTGGATAGAGAACGCAT-3'